The following is an entry in ClinVar:

NM_001267550.2(TTN):c.85160C>T (p.Pro28387Leu)

Genes: TTN (titin; minus strand), TTN-AS1 (TTN antisense RNA 1; plus strand). Cytogenetic location: 2q31.2.
Variant type: single nucleotide variant.
Coding change: c.85160C>T on transcript NM_001267550.2 (MANE Select); coding-DNA position 85160, C replaced by T.
Protein change: p.Pro28387Leu; replaces proline 28387 with leucine.
Molecular consequence: missense variant.
Genome position (GRCh38, 1-based): chr2:178,560,972, G>A on the plus strand (C>T on the coding strand, the complement: TTN is on the minus strand). VCF-style: chr2-178560972-G-A. GRCh37 (hg19) VCF-style: chr2-179425699-G-A.
Other names: c.80237C>T, p.Pro26746Leu (NM_001256850.1); c.57965C>T, p.Pro19322Leu (NM_003319.4); c.77456C>T, p.Pro25819Leu (NM_133378.4); c.58340C>T, p.Pro19447Leu (NM_133432.3); c.58541C>T, p.Pro19514Leu (NM_133437.4); short protein forms P19322L, P26746L, P19447L, P19514L, P28387L, P25819L.
Identifiers: ClinVar variation 1749680 (VCV001749680.6), dbSNP rs1415760093, ClinGen allele CA349555382.

ClinVar aggregate classification (germline): Uncertain significance. Review status: criteria provided, multiple submitters, no conflicts (2 of 4 stars). 3 submissions from 3 submitters: Uncertain significance (3). Last evaluated 2025-03-14.

Conditions:
Cardiovascular phenotype. Identifiers: MedGen CN230736.

Allele frequency attached by ClinVar (database versions not stated): gnomAD 0.00001; gnomAD exomes 0.00001; TOPMed 0.00001.
gnomAD v4.1: 5 of 1,613,610 alleles (0.00031%); highest among the groups gnomAD compares: Non-Finnish European, 0.00034%; no homozygotes.

Submissions (3):

Women's Health and Genetics/Laboratory Corporation of America, LabCorp
Classification: Uncertain significance. Last evaluated: 2025-03-14. Review status: criteria provided, single submitter. Criteria: LabCorp Variant Classification Summary - May 2015. Collection method: clinical testing. Allele origin: germline.

Revvity Omics, Revvity
Classification: Uncertain significance. Last evaluated: 2023-05-24. Review status: criteria provided, single submitter. Criteria: ACMG Guidelines, 2015. Collection method: clinical testing. Allele origin: germline.

Ambry Genetics
Classification: Uncertain significance for Cardiovascular phenotype. Last evaluated: 2019-08-14. Review status: criteria provided, single submitter. Criteria: Ambry Variant Classification Scheme 2023. Collection method: clinical testing. Allele origin: germline.
Comment: The p.P19322L variant (also known as c.57965C>T), located in coding exon 153 of the TTN gene, results from a C to T substitution at nucleotide position 57965. The proline at codon 19322 is replaced by leucine, an amino acid with similar properties. This amino acid position is highly conserved in available vertebrate species. In addition, the in silico prediction for this alteration is inconclusive. Since supporting evidence is limited at this time, the clinical significance of this alteration remains unclear.